The following is an entry in ClinVar:

NM_182961.4(SYNE1):c.16868G>A (p.Arg5623His)

Genes: SYNE1 (spectrin repeat containing nuclear envelope protein 1; minus strand), LOC126859837 (BRD4-independent group 4 enhancer GRCh37_chr6:152630775-152631974; plus strand). Cytogenetic location: 6q25.2.
Variant type: single nucleotide variant.
Coding change: c.16868G>A on transcript NM_182961.4 (MANE Select); coding-DNA position 16868, G replaced by A.
Protein change: p.Arg5623His; replaces arginine 5623 with histidine.
Molecular consequence: missense variant.
Genome position (GRCh38, 1-based): chr6:152,310,716, C>T on the plus strand (G>A on the coding strand, the complement: SYNE1 is on the minus strand). VCF-style: chr6-152310716-C-T. GRCh37 (hg19) VCF-style: chr6-152631851-C-T.
Other names: c.16655G>A, p.Arg5552His (NM_033071.5); short protein forms R5552H, R5623H.
Identifiers: ClinVar variation 448560 (VCV000448560.6), dbSNP rs753544584, ClinGen allele CA4055417.

ClinVar aggregate classification (germline): Uncertain significance. Review status: criteria provided, multiple submitters, no conflicts (2 of 4 stars). 3 submissions from 3 submitters: Uncertain significance (3). Last evaluated 2024-08-23.

Conditions:
Emery-Dreifuss muscular dystrophy 4, autosomal dominant (EDMD4). Also called: EMERY-DREIFUSS MUSCULAR DYSTROPHY 4 WITH VARIABLE FEATURES. Identifiers: Orphanet 261, MedGen C2751807, MONDO:0013071, OMIM 612998.
Autosomal recessive ataxia, Beauce type. Also called: SYNE1-Related Autosomal Recessive Cerebellar Ataxia; SYNE1 Deficiency; Spinocerebellar ataxia, autosomal recessive 8; ATAXIA, RECESSIVE, OF BEAUCE. Identifiers: Orphanet 88644, MedGen C1853116, MONDO:0012549, OMIM 610743.

Allele frequency attached by ClinVar (database versions not stated): TOPMed 0.00003; gnomAD 0.00004; ExAC 0.00002; gnomAD exomes 0.00003.
gnomAD v4.1: 51 of 1,613,218 alleles (0.0032%); highest among the groups gnomAD compares: Middle Eastern, 0.016%; no homozygotes.

Submissions (3):

Blueprint Genetics
Classification: Uncertain significance. Last evaluated: 2024-08-23. Review status: criteria provided, single submitter. Criteria: ACMG Guidelines, 2015. Collection method: clinical testing. Allele origin: germline.

Labcorp Genetics (formerly Invitae), Labcorp
Classification: Uncertain significance for Emery-Dreifuss muscular dystrophy 4, autosomal dominant; Autosomal recessive ataxia, Beauce type. Last evaluated: 2022-10-13. Review status: criteria provided, single submitter. Criteria: Invitae Variant Classification Sherloc (09022015). Collection method: clinical testing. Allele origin: germline.
Comment: This sequence change replaces arginine, which is basic and polar, with histidine, which is basic and polar, at codon 5552 of the SYNE1 protein (p.Arg5552His). This variant is present in population databases (rs753544584, gnomAD 0.006%). This variant has not been reported in the literature in individuals affected with SYNE1-related conditions. ClinVar contains an entry for this variant (Variation ID: 448560). Algorithms developed to predict the effect of missense changes on protein structure and function output the following: SIFT: "Deleterious"; PolyPhen-2: "Benign"; Align-GVGD: "Class C25". The histidine amino acid residue is found in multiple mammalian species, which suggests that this missense change does not adversely affect protein function. In summary, the available evidence is currently insufficient to determine the role of this variant in disease. Therefore, it has been classified as a Variant of Uncertain Significance.

Athena Diagnostics
Classification: Uncertain significance. Last evaluated: 2022-03-15. Review status: criteria provided, single submitter. Criteria: Athena Diagnostics Criteria. Collection method: clinical testing. Allele origin: unknown.